The following is an entry in ClinVar:

ClinVar aggregate classification (germline): Pathogenic (1 of 4 stars; one submission).

Submission:

Labcorp Genetics (formerly Invitae), Labcorp
Classification: Pathogenic. Last evaluated: 2022-12-18. Review status: criteria provided, single submitter. Criteria: Invitae Variant Classification Sherloc (09022015). Collection method: clinical testing. Allele origin: germline.
Comment: For these reasons, this variant has been classified as Pathogenic. This variant has not been reported in the literature in individuals affected with CPLANE1-related conditions. This variant is present in population databases (no rsID available, gnomAD 0.004%). This sequence change creates a premature translational stop signal (p.Thr443Profs*11) in the CPLANE1 gene. It is expected to result in an absent or disrupted protein product. Loss-of-function variants in CPLANE1 are known to be pathogenic (PMID: 24178751, 26092869).

Literature cited by the submitters: PubMed 24178751; PubMed 26092869.

NM_001384732.1(CPLANE1):c.1327del (p.Thr443fs)

Gene: CPLANE1 (ciliogenesis and planar polarity effector complex subunit 1; minus strand). Cytogenetic location: 5p13.2.
Variant type: Deletion.
Coding change: c.1327del on transcript NM_001384732.1 (MANE Select); coding-DNA position 1327, one base deleted (A; older notation c.1327delA).
Protein change: p.Thr443fs; shifts the reading frame from threonine 443.
Molecular consequence: frameshift variant.
Genome position (GRCh38, 1-based): chr5:37,227,612, T deleted on the plus strand (A on the coding strand, the reverse complement: CPLANE1 is on the minus strand); the first of 2 consecutive T bases (chr5:37,227,612-37,227,613); deleting either gives the same sequence. VCF-style (leftmost placement, unchanged base first): chr5-37227611-GT-G. GRCh37 (hg19) VCF-style: chr5-37227713-GT-G.
Other names: c.1327del, p.Thr443fs (NM_023073.4); short protein forms T443fs.
Identifiers: ClinVar variation 2891860 (VCV002891860.3), dbSNP rs1290514684, ClinGen allele CA559295652.